The following is an entry in ClinVar:

ClinVar aggregate classification (germline): Likely benign (1 of 4 stars; one submission).

Allele frequency attached by ClinVar (database versions not stated): 1000 Genomes Project 30x 0.00016; 1000 Genomes Project 0.00020.
gnomAD v4.1: 97 of 1,614,000 alleles (0.006%); highest among the groups gnomAD compares: Middle Eastern, 0.033%; 1 homozygote.

Submission:

CeGaT Center for Human Genetics Tuebingen
Classification: Likely benign. Last evaluated: 2023-03-01. Review status: criteria provided, single submitter. Criteria: CeGaT Center For Human Genetics Tuebingen Variant Classification Criteria Version 2. Collection method: clinical testing. Allele origin: germline. Affected: yes. Observed: 1 variant allele.
Comment: FLG: BP4, BP7

NM_002016.2(FLG):c.2979C>T (p.Ala993=)

Genes: CCDST (cervical cancer associated DHX9 suppressive transcript; plus strand), FLG (filaggrin; minus strand). Cytogenetic location: 1q21.3.
Variant type: single nucleotide variant.
Coding change: c.2979C>T on transcript NM_002016.2 (MANE Select); coding-DNA position 2979, C replaced by T.
Protein change: p.Ala993=; no amino-acid change (alanine 993 retained).
Molecular consequence: synonymous variant.
Genome position (GRCh38, 1-based): chr1:152,311,907, G>A on the plus strand (C>T on the coding strand, the complement: FLG is on the minus strand). VCF-style: chr1-152311907-G-A. GRCh37 (hg19) VCF-style: chr1-152284383-G-A.
Identifiers: ClinVar variation 2639303 (VCV002639303.24), dbSNP rs533911903, ClinGen allele CA1106887.